The following is an entry in ClinVar:

NM_005916.5(MCM7):c.415C>T (p.Gln139Ter)

Gene: MCM7 (minichromosome maintenance complex component 7; minus strand). Cytogenetic location: 7q22.1.
Variant type: single nucleotide variant.
Coding change: c.415C>T on transcript NM_005916.5 (MANE Select); coding-DNA position 415, C replaced by T.
Protein change: p.Gln139Ter; replaces glutamine 139 with a stop codon.
Molecular consequence: nonsense. On other transcripts: 5 prime UTR variant (2).
Genome position (GRCh38, 1-based): chr7:100,099,190, G>A on the plus strand (C>T on the coding strand, the complement: MCM7 is on the minus strand). VCF-style: chr7-100099190-G-A. GRCh37 (hg19) VCF-style: chr7-99696813-G-A.
Other names: c.-114C>T (NM_001278595.2, NM_182776.3); short protein forms Q139*.
Identifiers: ClinVar variation 1173057 (VCV001173057.2), dbSNP rs1054083917, ClinGen allele CA163206994.

ClinVar aggregate classification (germline): Pathogenic (1 of 4 stars; one submission).

Conditions:
Meier-Gorlin syndrome (MGORS1). Identifiers: Orphanet 2554, MedGen C1868684, MONDO:0016817. Disease mechanism: gain of function.

Allele frequency attached by ClinVar (database versions not stated): gnomAD exomes below 0.00001; TOPMed 0.00001.
gnomAD v4.1: 48 of 1,614,092 alleles (0.003%); highest among the groups gnomAD compares: Non-Finnish European, 0.004%; no homozygotes.

Submission:

Bicknell laboratory, University of Otago
Classification: Pathogenic for Meier-Gorlin syndrome. Review status: criteria provided, single submitter. Criteria: ACMG Guidelines, 2015. Collection method: research. Allele origin: inherited. Affected: yes.
Comment: Occurred as compound het with c.1616A>G

Literature cited by the submitters: PubMed 33654309.